The following is an entry in ClinVar:

NM_032043.3(BRIP1):c.684G>A (p.Glu228=)

Gene: BRIP1 (BRCA1 interacting DNA helicase 1; minus strand). Cytogenetic location: 17q23.2.
Variant type: single nucleotide variant.
Coding change: c.684G>A on transcript NM_032043.3 (MANE Select); coding-DNA position 684, G replaced by A.
Protein change: p.Glu228=; no amino-acid change (glutamic acid 228 retained).
Molecular consequence: synonymous variant.
Genome position (GRCh38, 1-based): chr17:61,808,701, C>T on the plus strand (G>A on the coding strand, the complement: BRIP1 is on the minus strand). VCF-style: chr17-61808701-C-T. GRCh37 (hg19) VCF-style: chr17-59886062-C-T.
Identifiers: ClinVar variation 232664 (VCV000232664.24), dbSNP rs876659909, ClinGen allele CA10580863.

ClinVar aggregate classification (germline): Benign/Likely benign. Review status: criteria provided, multiple submitters, no conflicts (2 of 4 stars). 8 submissions from 8 submitters: Benign (1); Likely benign (7). Last evaluated 2025-11-12.

Conditions:
BRIP1-related disorder. Also called: BRIP1-related condition; BRIP1-related disorders. Identifiers: MedGen CN239206.
Hereditary cancer-predisposing syndrome. Also called: Neoplastic Syndromes, Hereditary; Tumor predisposition; Hereditary Cancer Syndrome; Hereditary neoplastic syndrome. Identifiers: Orphanet 140162, MedGen C0027672, MeSH D009386, MONDO:0015356.
Fanconi anemia complementation group J. Also called: BRIP1-Related Fanconi Anemia. Identifiers: Orphanet 84, MedGen C1836860, MONDO:0012187, OMIM 609054.
Familial cancer of breast. Also called: hereditary breast carcinoma; BREAST CANCER, FAMILIAL; Hereditary breast cancer. Identifiers: Orphanet 227535, MedGen C0346153, MONDO:0016419, OMIM 114480. Disease mechanism: loss of function.

Allele frequency attached by ClinVar (database versions not stated): gnomAD exomes below 0.00001; gnomAD 0.00001; TOPMed 0.00003.
gnomAD v4.1: 2 of 1,613,794 alleles (0.00012%); highest among the groups gnomAD compares: African/African-American, 0.0027%; no homozygotes.

Submissions (8):

Labcorp Genetics (formerly Invitae), Labcorp
Classification: Likely benign for Familial cancer of breast; Fanconi anemia complementation group J. Last evaluated: 2025-11-12. Review status: criteria provided, single submitter. Criteria: Invitae Variant Classification Sherloc (09022015). Collection method: clinical testing. Allele origin: germline.

Quest Diagnostics Nichols Institute San Juan Capistrano
Classification: Likely benign. Last evaluated: 2025-06-25. Review status: criteria provided, single submitter. Criteria: Quest Diagnostics criteria. Collection method: clinical testing. Allele origin: unknown.

PreventionGenetics, part of Exact Sciences
Classification: Likely benign for BRIP1-related condition. Last evaluated: 2024-11-09. Review status: criteria provided, single submitter. Criteria: ACMG Guidelines, 2015. Collection method: clinical testing. Allele origin: germline.
Comment: This variant is classified as likely benign based on ACMG/AMP sequence variant interpretation guidelines (Richards et al. 2015 PMID: 25741868, with internal and published modifications).

Myriad Genetics, Inc.
Classification: Benign for Familial cancer of breast. Last evaluated: 2024-08-22. Review status: criteria provided, single submitter. Criteria: Myriad Autosomal Dominant, Autosomal Recessive and X-Linked Classification Criteria (2023). Collection method: clinical testing. Allele origin: unknown.
Comment: This variant is considered benign. This variant is a silent/synonymous amino acid change and it is not expected to impact splicing.

Women's Health and Genetics/Laboratory Corporation of America, LabCorp
Classification: Likely benign. Last evaluated: 2022-12-31. Review status: criteria provided, single submitter. Criteria: LabCorp Variant Classification Summary - May 2015. Collection method: clinical testing. Allele origin: germline.

GeneDx
Classification: Likely benign. Last evaluated: 2018-11-12. Review status: criteria provided, single submitter. Criteria: GeneDx Variant Classification Process June 2021. Collection method: clinical testing. Allele origin: germline. Affected: yes.

Color Diagnostics, LLC DBA Color Health
Classification: Likely benign for Hereditary cancer-predisposing syndrome. Last evaluated: 2017-09-11. Review status: criteria provided, single submitter. Criteria: ACMG Guidelines, 2015. Collection method: clinical testing. Allele origin: germline.

Ambry Genetics
Classification: Likely benign for Hereditary cancer-predisposing syndrome. Last evaluated: 2015-06-23. Review status: criteria provided, single submitter. Criteria: Ambry Variant Classification Scheme 2023. Collection method: clinical testing. Allele origin: germline.